The following is an entry in ClinVar:

NM_015443.4(KANSL1):c.844A>C (p.Thr282Pro)

Gene: KANSL1 (KAT8 regulatory NSL complex subunit 1). Cytogenetic location: 17q21.31.
Variant type: single nucleotide variant.
Coding change: c.844A>C on transcript NM_015443.4 (MANE Select); coding-DNA position 844, A replaced by C.
Protein change: p.Thr282Pro; replaces threonine 282 with proline.
Molecular consequence: missense variant.
Genome position (GRCh38, 1-based): chr17:46,171,300, T>G on the plus strand (A>C on the coding strand, the complement: KANSL1 is on the minus strand). VCF-style: chr17-46171300-T-G. GRCh37 (hg19) VCF-style: chr17-44248666-T-G.
Other names: c.844A>C, p.Thr282Pro (NM_001193465.2, NM_001193466.2, NM_001379198.1); c.844A>C (NM_001193466.1); short protein forms T282P.
Identifiers: ClinVar variation 1395155 (VCV001395155.6), dbSNP rs1371045758, ClinGen allele CA399980498.

ClinVar aggregate classification (germline): Uncertain significance. Review status: criteria provided, multiple submitters, no conflicts (2 of 4 stars). 2 submissions from 2 submitters: Uncertain significance (2). Last evaluated 2024-08-20.

Conditions:
Inborn genetic diseases. Identifiers: MedGen C0950123, MeSH D030342.
Koolen-de Vries syndrome (KDVS). Identifiers: Orphanet 96169, MedGen C1864871, MONDO:0012496, OMIM 610443.

Allele frequency attached by ClinVar (database versions not stated): gnomAD 0.00001.
gnomAD v4.1: 4 of 1,614,082 alleles (0.00025%); highest among the groups gnomAD compares: Admixed American, 0.005%; no homozygotes.

Submissions (2):

Ambry Genetics
Classification: Uncertain significance for Inborn genetic diseases. Last evaluated: 2024-08-20. Review status: criteria provided, single submitter. Criteria: Ambry Variant Classification Scheme 2023. Collection method: clinical testing. Allele origin: germline.

Labcorp Genetics (formerly Invitae), Labcorp
Classification: Uncertain significance for Koolen-de Vries syndrome. Last evaluated: 2021-09-17. Review status: criteria provided, single submitter. Criteria: Invitae Variant Classification Sherloc (09022015). Collection method: clinical testing. Allele origin: germline.
Comment: Due to the possible presence of a polymorphic segmental duplication, the location of the variant could not be unambiguously resolved. Variants with ambiguous mapping are still reported relative to the KANSL1 transcript. This sequence change replaces threonine with proline at codon 282 of the KANSL1 protein (p.Thr282Pro). The threonine residue is highly conserved and there is a small physicochemical difference between threonine and proline. The frequency data for this variant in the population databases (ExAC) is considered unreliable due to the presence of homologous sequence, such as pseudogenes or paralogs, in the genome. This variant has not been reported in the literature in individuals with KANSL1-related conditions. Algorithms developed to predict the effect of missense changes on protein structure and function (SIFT, PolyPhen-2, Align-GVGD) all suggest that this variant is likely to be tolerated. Until the location of this sequence change can be resolved, the clinical significance of this variant remains uncertain. It has been classified as a Variant of Uncertain Significance.